The following is an entry in ClinVar:

ClinVar aggregate classification (germline): Benign. Review status: criteria provided, multiple submitters, no conflicts (2 of 4 stars). 13 submissions from 13 submitters: Benign (10). 3 of the submissions do not count toward it. Last evaluated 2026-02-04.

Conditions:
Retinal dystrophy. Also called: Inherited retinal dystrophy. Identifiers: Orphanet 71862, MedGen C0854723, MeSH D058499, MONDO:0019118, HP:0000556.
Retinitis pigmentosa (RP). Identifiers: Orphanet 791, MedGen C0035334, MeSH D012174, MONDO:0019200, OMIM 268000. Inheritance: Autosomal dominant, autosomal recessive and X linked inheritance.
Retinitis pigmentosa 25 (RP25). Identifiers: Orphanet 791, MedGen C1864446, MONDO:0011272, OMIM 602772.

Allele frequency attached by ClinVar (database versions not stated): TOPMed 0.52016; 1000 Genomes Project 30x 0.59010; gnomAD 0.50535 and 0.51789; gnomAD exomes 0.62462 and 0.59081; 1000 Genomes Project 0.59505; ESP Exome Variant Server 0.49759; ExAC 0.57983.
gnomAD v4.1: 905,245 of 1,550,630 alleles (58%); highest among the groups gnomAD compares: East Asian, 91%; 271,627 homozygotes.

Submissions (13):

Labcorp Genetics (formerly Invitae), Labcorp
Classification: Benign. Last evaluated: 2026-02-04. Review status: criteria provided, single submitter. Criteria: Invitae Variant Classification Sherloc (09022015). Collection method: clinical testing. Allele origin: germline.

Blueprint Genetics
Classification: Benign. Last evaluated: 2024-11-27. Review status: criteria provided, single submitter. Criteria: ACMG Guidelines, 2015. Collection method: clinical testing. Allele origin: germline.

ARUP Laboratories, Molecular Genetics and Genomics, ARUP Laboratories
Classification: Benign for Retinitis pigmentosa 25. Last evaluated: 2023-11-29. Review status: criteria provided, single submitter. Criteria: ARUP Molecular Germline Variant Investigation Process 2024. Collection method: clinical testing. Allele origin: germline.

Dept Of Ophthalmology, Nagoya University
Classification: Benign for Retinal dystrophy. Last evaluated: 2023-10-01. Review status: criteria provided, single submitter. Criteria: Submitter's publication. Collection method: research. Allele origin: germline. Affected: yes.

Women's Health and Genetics/Laboratory Corporation of America, LabCorp
Classification: Benign. Last evaluated: 2023-04-17. Review status: criteria provided, single submitter. Criteria: LabCorp Variant Classification Summary - May 2015. Collection method: clinical testing. Allele origin: germline.

Genome-Nilou Lab
Classification: Benign for Retinitis pigmentosa 25. Last evaluated: 2021-07-01. Review status: criteria provided, single submitter. Criteria: ACMG Guidelines, 2015. Collection method: clinical testing. Allele origin: germline. Affected: no.

Illumina Laboratory Services, Illumina
Classification: Benign for Retinitis pigmentosa. Last evaluated: 2018-01-13. Review status: criteria provided, single submitter. Criteria: ICSL Variant Classification Criteria 13 December 2019. Collection method: clinical testing. Allele origin: germline.
Comment: This variant was observed in the ICSL laboratory as part of a predisposition screen in an ostensibly healthy population. It had not been previously curated by ICSL or reported in the Human Gene Mutation Database (HGMD: prior to June 1st, 2018), and was therefore a candidate for classification through an automated scoring system. Utilizing variant allele frequency, disease prevalence and penetrance estimates, and inheritance mode, an automated score was calculated to assess if this variant is too frequent to cause the disease. Based on the score and internal cut-off values, a variant classified as benign is not then subjected to further curation. The score for this variant resulted in a classification of benign for this disease.

Clinical Genetics DNA and cytogenetics Diagnostics Lab, Erasmus MC, Erasmus Medical Center
Classification: Benign for Retinitis pigmentosa 25. Last evaluated: 2015-03-04. Review status: criteria provided, single submitter. Criteria: ACGS Guidelines, 2013. Collection method: clinical testing. Allele origin: germline. Affected: yes. Study: VKGL Data-share Consensus.

Eurofins Ntd Llc (ga)
Classification: Benign. Last evaluated: 2014-03-17. Review status: criteria provided, single submitter. Criteria: EGL Classification Definitions 2015. Collection method: clinical testing. Allele origin: germline. Observed: 5 variant alleles, 2 heterozygotes, 3 homozygotes.

GeneDx
Classification: Benign. Last evaluated: 2011-07-05. Review status: criteria provided, single submitter. Criteria: GeneDx Variant Classification (06012015). Collection method: clinical testing. Allele origin: germline. Affected: yes.
Comment: This variant is considered likely benign or benign based on one or more of the following criteria: it is a conservative change, it occurs at a poorly conserved position in the protein, it is predicted to be benign by multiple in silico algorithms, and/or has population frequency not consistent with disease.

Natera, Inc.
Classification: Benign for Retinitis pigmentosa. Last evaluated: 2020-09-16. Review status: no assertion criteria provided. Collection method: clinical testing. Allele origin: germline. Not counted in ClinVar's aggregate classification.

Diagnostic Laboratory, Department of Genetics, University Medical Center Groningen
Classification: Benign for Retinitis pigmentosa 25. Review status: no assertion criteria provided. Collection method: clinical testing. Allele origin: germline. Affected: yes. Study: VKGL Data-share Consensus. Not counted in ClinVar's aggregate classification.

Joint Genome Diagnostic Labs from Nijmegen and Maastricht, Radboudumc and MUMC+
Classification: Benign. Review status: no assertion criteria provided. Collection method: clinical testing. Allele origin: germline. Affected: yes. Study: VKGL Data-share Consensus. Not counted in ClinVar's aggregate classification.

NM_001142800.2(EYS):c.1891G>A (p.Gly631Ser)

Gene: EYS (EGF-like photoreceptor maintenance factor; minus strand). Cytogenetic location: 6q12.
Variant type: single nucleotide variant.
Coding change: c.1891G>A on transcript NM_001142800.2 (MANE Select); coding-DNA position 1891, G replaced by A.
Protein change: p.Gly631Ser; replaces glycine 631 with serine.
Molecular consequence: missense variant.
Genome position (GRCh38, 1-based): chr6:65,295,995, C>T on the plus strand (G>A on the coding strand, the complement: EYS is on the minus strand). VCF-style: chr6-65295995-C-T. GRCh37 (hg19) VCF-style: chr6-66005888-C-T.
Other names: p.G631S:GGT>AGT; c.1891G>A (FM209056.1); c.1891G>A, p.Gly631Ser (NM_001292009.2); short protein forms G631S.
Identifiers: ClinVar variation 137267 (VCV000137267.36), dbSNP rs9342464, ClinGen allele CA180019.
Genomic context (GRCh38, chr6:65,295,995, plus strand): 5'-ACGCAGATTTGCAGTCTTCAGTATCTATCTCACAGATGTTCCTTTCATATCTTTGCAGAC[C>T]GCTACAGTTACAATTGTGCGAAAGGGCCAGGCAGAGGCCATGCACTGATATACTGTGGTT-3'
Protein context (NP_001136272.1, residues 621-641): LALSHNCNCS[Gly631Ser]LQRYERNICE